The following is an entry in ClinVar:

NM_002485.5(NBN):c.2184+9G>T

Gene: NBN (nibrin; minus strand). Cytogenetic location: 8q21.3.
Variant type: single nucleotide variant.
Coding change: c.2184+9G>T on transcript NM_002485.5 (MANE Select); 9 bases into the intron after coding-DNA position 2184, G replaced by T.
Molecular consequence: intron variant.
Genome position (GRCh38, 1-based): chr8:89,943,244, C>A on the plus strand (G>T on the coding strand, the complement: NBN is on the minus strand). VCF-style: chr8-89943244-C-A. GRCh37 (hg19) VCF-style: chr8-90955472-C-A.
Other names: c.1938+9G>T (NM_001024688.3).
Identifiers: ClinVar variation 2098276 (VCV002098276.4), dbSNP rs2488190530, ClinGen allele CA2580079009.

ClinVar aggregate classification (germline): Uncertain significance (1 of 4 stars; one submission).

Conditions:
Microcephaly, normal intelligence and immunodeficiency (NBS). Also called: Immunodeficiency, microcephaly with normal intelligence; Ataxia telangiectasia variant V1; BERLIN BREAKAGE SYNDROME; Nijmegen breakage syndrome; Microcephaly with normal intelligence immunodeficiency and lymphoreticular malignancies; Nonsyndromal microcephaly autosomal recessive with normal intelligence. Identifiers: Orphanet 647, MedGen C0398791, MONDO:0009623, OMIM 251260.

Submission:

Labcorp Genetics (formerly Invitae), Labcorp
Classification: Uncertain significance for Microcephaly, normal intelligence and immunodeficiency. Last evaluated: 2022-02-18. Review status: criteria provided, single submitter. Criteria: Invitae Variant Classification Sherloc (09022015). Collection method: clinical testing. Allele origin: germline.
Comment: In summary, the available evidence is currently insufficient to determine the role of this variant in disease. Therefore, it has been classified as a Variant of Uncertain Significance. Algorithms developed to predict the effect of sequence changes on RNA splicing suggest that this variant may create or strengthen a splice site. This variant has not been reported in the literature in individuals affected with NBN-related conditions. This variant is not present in population databases (gnomAD no frequency). This sequence change falls in intron 14 of the NBN gene. It does not directly change the encoded amino acid sequence of the NBN protein.